The following is an entry in ClinVar:

NM_000687.4(AHCY):c.1134G>C (p.Lys378Asn)

Gene: AHCY (adenosylhomocysteinase; minus strand). Cytogenetic location: 20q11.22.
Variant type: single nucleotide variant.
Coding change: c.1134G>C on transcript NM_000687.4 (MANE Select); coding-DNA position 1134, G replaced by C.
Protein change: p.Lys378Asn; replaces lysine 378 with asparagine.
Molecular consequence: missense variant.
Genome position (GRCh38, 1-based): chr20:34,285,473, C>G on the plus strand (G>C on the coding strand, the complement: AHCY is on the minus strand). VCF-style: chr20-34285473-C-G. GRCh37 (hg19) VCF-style: chr20-32873279-C-G.
Other names: c.1050G>C, p.Lys350Asn (NM_001161766.2, NM_001322084.2, NM_001322085.2); c.1140G>C, p.Lys380Asn (NM_001322086.2); c.1134G>C, p.Lys378Asn (NM_001362750.2); c.1134G>C (NM_000687.2); short protein forms K380N, K350N, K378N.
Identifiers: ClinVar variation 1936920 (VCV001936920.5), dbSNP rs774872458, ClinGen allele CA313345466.

ClinVar aggregate classification (germline): Uncertain significance. Review status: criteria provided, multiple submitters, no conflicts (2 of 4 stars). 2 submissions from 2 submitters: Uncertain significance (2). Last evaluated 2024-09-05.

Conditions:
Inborn genetic diseases. Identifiers: MedGen C0950123, MeSH D030342.
Hypermethioninemia with deficiency of S-adenosylhomocysteine hydrolase. Identifiers: Orphanet 88618, MedGen C3151058, MONDO:0013404, OMIM 613752.

Allele frequency attached by ClinVar (database versions not stated): gnomAD 0.00001; TOPMed 0.00002.
gnomAD v4.1: 18 of 1,613,966 alleles (0.0011%); highest among the groups gnomAD compares: Non-Finnish European, 0.0014%; no homozygotes.

Submissions (2):

Ambry Genetics
Classification: Uncertain significance for Inborn genetic diseases. Last evaluated: 2024-09-05. Review status: criteria provided, single submitter. Criteria: Ambry Variant Classification Scheme 2023. Collection method: clinical testing. Allele origin: germline.

Labcorp Genetics (formerly Invitae), Labcorp
Classification: Uncertain significance for Hypermethioninemia with deficiency of S-adenosylhomocysteine hydrolase. Last evaluated: 2022-02-06. Review status: criteria provided, single submitter. Criteria: Invitae Variant Classification Sherloc (09022015). Collection method: clinical testing. Allele origin: germline.
Comment: In summary, the available evidence is currently insufficient to determine the role of this variant in disease. Therefore, it has been classified as a Variant of Uncertain Significance. Algorithms developed to predict the effect of missense changes on protein structure and function are either unavailable or do not agree on the potential impact of this missense change (SIFT: "Not Available"; PolyPhen-2: "Benign"; Align-GVGD: "Not Available"). This variant has not been reported in the literature in individuals affected with AHCY-related conditions. This variant is present in population databases (no rsID available, gnomAD 0.002%). This sequence change replaces lysine, which is basic and polar, with asparagine, which is neutral and polar, at codon 378 of the AHCY protein (p.Lys378Asn).